The following is an entry in ClinVar:

NM_000550.3(TYRP1):c.1507G>A (p.Ala503Thr)

Genes: LURAP1L-AS1 (LURAP1L antisense RNA 1; minus strand), TYRP1 (tyrosinase related protein 1; plus strand). Cytogenetic location: 9p23.
Variant type: single nucleotide variant.
Coding change: c.1507G>A on transcript NM_000550.3 (MANE Select); coding-DNA position 1507, G replaced by A.
Protein change: p.Ala503Thr; replaces alanine 503 with threonine.
Molecular consequence: missense variant.
Genome position (GRCh38, 1-based): chr9:12,709,075, G>A. VCF-style: chr9-12709075-G-A. GRCh37 (hg19) VCF-style: chr9-12709075-G-A.
Other names: short protein forms A503T.
Identifiers: ClinVar variation 1345127 (VCV001345127.8), dbSNP rs1346733788, ClinGen allele CA372932537.

ClinVar aggregate classification (germline): Uncertain significance (1 of 4 stars; one submission).

Submission:

Labcorp Genetics (formerly Invitae), Labcorp
Classification: Uncertain significance. Last evaluated: 2022-09-01. Review status: criteria provided, single submitter. Criteria: Invitae Variant Classification Sherloc (09022015). Collection method: clinical testing. Allele origin: germline.
Comment: This sequence change replaces alanine, which is neutral and non-polar, with threonine, which is neutral and polar, at codon 503 of the TYRP1 protein (p.Ala503Thr). This variant is not present in population databases (gnomAD no frequency). In summary, the available evidence is currently insufficient to determine the role of this variant in disease. Therefore, it has been classified as a Variant of Uncertain Significance. Algorithms developed to predict the effect of missense changes on protein structure and function output the following: SIFT: "Tolerated"; PolyPhen-2: "Benign"; Align-GVGD: "Class C0". The threonine amino acid residue is found in multiple mammalian species, which suggests that this missense change does not adversely affect protein function. ClinVar contains an entry for this variant (Variation ID: 1345127). This variant has not been reported in the literature in individuals affected with TYRP1-related conditions.